The following is an entry in ClinVar:

NM_000506.5(F2):c.371G>A (p.Arg124Gln)

Gene: F2 (coagulation factor II, thrombin; plus strand). Cytogenetic location: 11p11.2.
Variant type: single nucleotide variant.
Coding change: c.371G>A on transcript NM_000506.5 (MANE Select); coding-DNA position 371, G replaced by A.
Protein change: p.Arg124Gln; replaces arginine 124 with glutamine.
Molecular consequence: missense variant.
Genome position (GRCh38, 1-based): chr11:46,723,234, G>A. VCF-style: chr11-46723234-G-A. GRCh37 (hg19) VCF-style: chr11-46744784-G-A.
Other names: c.371G>A (NM_000506.4); short protein forms R124Q.
Identifiers: ClinVar variation 1033061 (VCV001033061.2), dbSNP rs139148365, ClinGen allele CA5966930.

ClinVar aggregate classification (germline): Uncertain significance. Review status: criteria provided, multiple submitters, no conflicts (2 of 4 stars). 2 submissions from 2 submitters: Uncertain significance (2). Last evaluated 2020-05-26.

Conditions:
Thrombophilia due to thrombin defect (THPH1). Also called: Thrombosis susceptibility; THROMBOPHILIA DUE TO FACTOR 2 DEFECT; Prothrombin-Related Thrombophilia (Factor II); Prothrombin Thrombophilia. Identifiers: MedGen C3160733, MONDO:0008559, OMIM 188050. Disease mechanism: gain of function, loss of function.
Congenital prothrombin deficiency. Also called: Hereditary factor II deficiency disease; Factor II deficiency; HYPOPROTHROMBINEMIA; Inherited hypoprothrombinemia; Congenital factor II deficiency; Inherited prothrombin deficiency. Identifiers: Orphanet 325, MedGen C0272317, MONDO:0013361, OMIM 613679.

Allele frequency attached by ClinVar (database versions not stated): ExAC 0.00016; TOPMed 0.00016; gnomAD exomes 0.00020 and 0.00039; gnomAD 0.00021 and 0.00022; ESP Exome Variant Server 0.00054.
gnomAD v4.1: 599 of 1,613,960 alleles (0.037%); highest among the groups gnomAD compares: Non-Finnish European, 0.048%; no homozygotes.

Submissions (2):

Victorian Clinical Genetics Services, Murdoch Childrens Research Institute
Classification: Uncertain significance for Thrombophilia due to thrombin defect. Last evaluated: 2020-05-26. Review status: criteria provided, single submitter. Criteria: ACMG Guidelines, 2015. Collection method: clinical testing. Allele origin: germline.
Comment: Based on the classification scheme VCGS_Germline_v1.1.1, this variant is classified as 3C-VUS. Following criteria are met: 0101 - Gain-of-function is a known mechanism of disease for this gene. (N) 0108 - This gene is known to be associated with both recessive and dominant disease (OMIM). (N) 0112 - Variants in this gene are known to have reduced penetrance (PMID: 30297698). (N) 0200 - Variant is predicted to result in a missense amino acid change from arginine to glutamine (exon 5). (N) 0251 - Variant is heterozygous. (N) 0302 - Variant is present in gnomAD <0.001 for a dominant condition (54 heterozygotes, 0 homozygotes). (P) 0309 - An alternative amino acid change at the same position has been observed in gnomAD (3 heterozygotes, 0 homozygotes). (N) 0503 - Missense variant consistently predicted to be tolerated and not conserved in mammals with a minor amino acid change. (B) 0504 - Same amino acid change has been observed in mammals. (B) 0600 - Variant is located in an annotated domain or motif (Kringle domain; NCBI, Decipher). (N) 0705 - No comparable variants have previous evidence for pathogenicity. (N) 0807 - Variant has not previously been reported pathogenic in a clinical context. (N) 0905 - No segregation evidence has been identified for this variant. (N) 1007 - No published functional evidence has been identified for this variant. (N) 1208 - Inheritance information for this variant is not currently available. (N) Legend: (P) - Pathogenic, (N) - Neutral, (B) - Benign

Baylor Genetics
Classification: Uncertain significance for Congenital prothrombin deficiency. Last evaluated: 2018-03-21. Review status: criteria provided, single submitter. Criteria: ACMG Guidelines, 2015. Collection method: clinical testing. Allele origin: maternal. Affected: yes.
Comment: This variant was determined to be of uncertain significance according to ACMG Guidelines, 2015 [PMID:25741868].

Literature cited by the submitters: PubMed 30297698 (cited by Victorian Clinical Genetics Services, Murdoch Childrens Research Institute).